The following is an entry in ClinVar:

NM_001036.6(RYR3):c.773C>T (p.Thr258Ile)

Gene: RYR3 (ryanodine receptor 3; plus strand). Cytogenetic location: 15q14.
Variant type: single nucleotide variant.
Coding change: c.773C>T on transcript NM_001036.6 (MANE Select); coding-DNA position 773, C replaced by T.
Protein change: p.Thr258Ile; replaces threonine 258 with isoleucine.
Molecular consequence: missense variant.
Genome position (GRCh38, 1-based): chr15:33,548,162, C>T. VCF-style: chr15-33548162-C-T. GRCh37 (hg19) VCF-style: chr15-33840363-C-T.
Other names: c.773C>T, p.Thr258Ile (NM_001243996.4); short protein forms T258I.
Identifiers: ClinVar variation 3027194 (VCV003027194.22), dbSNP rs1305468510, ClinGen allele CA391561626.

ClinVar aggregate classification (germline): Uncertain significance (1 of 4 stars; one submission).

Allele frequency attached by ClinVar (database versions not stated): gnomAD exomes below 0.00001.
gnomAD v4.1: 1 of 1,612,778 alleles (0.000062%); highest among the groups gnomAD compares: Non-Finnish European, 0.000085%; no homozygotes.

Submission:

CeGaT Center for Human Genetics Tuebingen
Classification: Uncertain significance. Last evaluated: 2024-02-01. Review status: criteria provided, single submitter. Criteria: CeGaT Center For Human Genetics Tuebingen Variant Classification Criteria Version 2. Collection method: clinical testing. Allele origin: germline. Affected: yes. Observed: 1 variant allele.
Comment: RYR3: PM2, BP4